The following is an entry in ClinVar:

NM_001042492.3(NF1):c.3756A>G (p.Leu1252=)

Gene: NF1 (neurofibromin 1; plus strand). Cytogenetic location: 17q11.2.
Variant type: single nucleotide variant.
Coding change: c.3756A>G on transcript NM_001042492.3 (MANE Select); coding-DNA position 3756, A replaced by G.
Protein change: p.Leu1252=; no amino-acid change (leucine 1252 retained).
Molecular consequence: synonymous variant.
Genome position (GRCh38, 1-based): chr17:31,235,658, A>G. VCF-style: chr17-31235658-A-G. GRCh37 (hg19) VCF-style: chr17-29562676-A-G.
Other names: c.3756A>G, p.Leu1252= (NM_000267.4).
Identifiers: ClinVar variation 480191 (VCV000480191.39), dbSNP rs1298630862, ClinGen allele CA499232505.

ClinVar aggregate classification (germline): Benign/Likely benign. Review status: criteria provided, multiple submitters, no conflicts (2 of 4 stars). 6 submissions from 6 submitters: Benign (1); Likely benign (4). 1 of the submissions does not count toward it. Last evaluated 2026-09-29.

Conditions:
Cardiovascular phenotype. Identifiers: MedGen CN230736.
Hereditary cancer-predisposing syndrome. Also called: Tumor predisposition; Neoplastic Syndromes, Hereditary; Hereditary Cancer Syndrome; Hereditary neoplastic syndrome. Identifiers: Orphanet 140162, MedGen C0027672, MeSH D009386, MONDO:0015356.
Neurofibromatosis, type 1 (NF1). Also called: NEUROFIBROMATOSIS, TYPE I, SOMATIC; Peripheral type neurofibromatosis; VON RECKLINGHAUSEN DISEASE; Neurofibromatosis, type I. Identifiers: Orphanet 636, MedGen C0027831, MONDO:0018975, OMIM 162200. Disease mechanism: loss of function.
NF1-related disorder. Also called: NF1-related condition. Identifiers: MedGen CN379171.

Allele frequency attached by ClinVar (database versions not stated): gnomAD exomes below 0.00001.
gnomAD v4.1: 6 of 1,613,980 alleles (0.00037%); highest among the groups gnomAD compares: South Asian, 0.0066%; no homozygotes.

Submissions (6):

Myriad Genetics, Inc.
Classification: Benign for Neurofibromatosis, type 1. Last evaluated: 2026-09-29. Review status: criteria provided, single submitter. Criteria: Myriad Autosomal Dominant, Autosomal Recessive and X-Linked Classification Criteria (2023). Collection method: clinical testing. Allele origin: unknown.
Comment: This variant is considered benign. This variant is a silent/synonymous amino acid change and it is not expected to impact splicing.

Labcorp Genetics (formerly Invitae), Labcorp
Classification: Likely benign for Neurofibromatosis, type 1. Last evaluated: 2023-10-18. Review status: criteria provided, single submitter. Criteria: Invitae Variant Classification Sherloc (09022015). Collection method: clinical testing. Allele origin: germline.

CeGaT Center for Human Genetics Tuebingen
Classification: Likely benign. Last evaluated: 2023-07-01. Review status: criteria provided, single submitter. Criteria: CeGaT Center For Human Genetics Tuebingen Variant Classification Criteria Version 2. Collection method: clinical testing. Allele origin: germline. Affected: yes. Observed: 1 variant allele.
Comment: NF1: BP4, BP7

Genome-Nilou Lab
Classification: Likely benign for Neurofibromatosis, type 1. Last evaluated: 2022-03-15. Review status: criteria provided, single submitter. Criteria: ACMG Guidelines, 2015. Collection method: clinical testing. Allele origin: germline. Affected: no.

Ambry Genetics
Classification: Likely benign for Cardiovascular phenotype; Hereditary cancer-predisposing syndrome. Last evaluated: 2017-02-27. Review status: criteria provided, single submitter. Criteria: Ambry Variant Classification Scheme 2023. Collection method: clinical testing. Allele origin: germline.

PreventionGenetics, part of Exact Sciences
Classification: Likely benign for NF1-related condition. Last evaluated: 2023-04-20. Review status: no assertion criteria provided. Collection method: clinical testing. Allele origin: germline. Not counted in ClinVar's aggregate classification.
Comment: This variant is classified as likely benign based on ACMG/AMP sequence variant interpretation guidelines (Richards et al. 2015 PMID: 25741868, with internal and published modifications).